The following is an entry in ClinVar:

NM_177438.3(DICER1):c.3479C>G (p.Ser1160Cys)

Gene: DICER1 (dicer 1, ribonuclease III; minus strand). Cytogenetic location: 14q32.13.
Variant type: single nucleotide variant.
Coding change: c.3479C>G on transcript NM_177438.3 (MANE Select); coding-DNA position 3479, C replaced by G.
Protein change: p.Ser1160Cys; replaces serine 1160 with cysteine.
Molecular consequence: missense variant. On other transcripts: non-coding transcript variant (6).
Genome position (GRCh38, 1-based): chr14:95,103,917, G>C on the plus strand (C>G on the coding strand, the complement: DICER1 is on the minus strand). VCF-style: chr14-95103917-G-C. GRCh37 (hg19) VCF-style: chr14-95570254-G-C.
Other names: NM_177438.3(DICER1):c.3479C>G; p.Ser1160Cys; c.3479C>G, p.Ser1160Cys (NM_001195573.1, NM_001271282.3, NM_001291628.2 and 12 more transcripts); c.3197C>G, p.Ser1066Cys (NM_001395686.1); c.3074C>G, p.Ser1025Cys (NM_001395687.1, NM_001395688.1, NM_001395689.1 and 2 more transcripts); c.2912C>G, p.Ser971Cys (NM_001395691.1); c.1796C>G, p.Ser599Cys (NM_001395697.1); short protein forms S1160C, S1066C, S1025C, S599C, S971C.
Identifiers: ClinVar variation 3501939 (VCV003501939.2).
Genomic context (GRCh38, chr14:95,103,917, plus strand): 5'-TAAGAAAGACCATTAATTGCTGTAAGATCTGCTGAAACTTCAACGTGGAGCTTACCAGGG[G>C]ACTCGCTGAGCAACGTTCTGCAGTTCACAGACATTTGGTCATGATTTTCTAGAGAGGAGG-3'
Protein context (NP_803187.1, residues 1150-1170): SVNCRTLLSE[Ser1160Cys]PGKLHVEVSA

ClinVar aggregate classification (germline): Uncertain significance. Review status: reviewed by expert panel (3 of 4 stars). 2 submissions from 2 submitters: Uncertain significance (1). 1 of the submissions does not count toward it. Last evaluated 2026-01-06.

Conditions:
Hereditary cancer-predisposing syndrome. Also called: Hereditary Cancer Syndrome; Hereditary neoplastic syndrome; Neoplastic Syndromes, Hereditary; Tumor predisposition. Identifiers: Orphanet 140162, MedGen C0027672, MeSH D009386, MONDO:0015356.
DICER1-related tumor predisposition. Also called: DICER1-related pleuropulmonary blastoma cancer predisposition syndrome; DICER1 syndrome. Identifiers: Orphanet 284343, MedGen C3839822, MONDO:0100216.

Submissions (2):

ClinGen DICER1 and miRNA-Processing Gene Variant Curation Expert Panel, ClinGen
Classification: Uncertain significance for DICER1-related tumor predisposition. Last evaluated: 2026-01-06. Review status: reviewed by expert panel. Criteria: ClinGen DICER1 ACMG Specifications DICER1 V1.4.0. Collection method: curation. Allele origin: germline. Inheritance: Autosomal dominant inheritance.
Comment: The NM_177438.3:c.3479C>G variant in DICER1 is a missense variant predicted to cause substitution of serine by cysteine at amino acid 1160 (p.Ser1160Cys). Although this variant has been observed in individuals undergoing genetic sequencing, to our knowledge, this variant has not been reported in individuals with DICER1-related tumor predisposition (PS4 not met; Internal lab contributors). This variant is absent from gnomAD v4.1.0 (PM2_Supporting). In silico tools predict no damaging impact of the variant on protein function (REVEL: 0.165; MaxEntScan and SpliceAI: no effect on splicing) (BP4). In summary, this variant meets the criteria to be classified as Uncertain Significance for DICER1-related tumor predisposition based on the ACMG/AMP criteria applied, as specified by the ClinGen DICER1 VCEP: PM2_Supporting, BP4. (Bayesian Points: 0; VCEP specifications version 1.4.0; 01/06/2026)

Ambry Genetics
Classification: Uncertain significance for Hereditary cancer-predisposing syndrome. Last evaluated: 2024-11-05. Review status: criteria provided, single submitter. Criteria: Ambry Variant Classification Scheme 2023. Collection method: clinical testing. Allele origin: germline. Not counted in ClinVar's aggregate classification.
Comment: The p.S1160C variant (also known as c.3479C>G), located in coding exon 20 of the DICER1 gene, results from a C to G substitution at nucleotide position 3479. The serine at codon 1160 is replaced by cysteine, an amino acid with dissimilar properties. This amino acid position is not well conserved in available vertebrate species. In addition, the in silico prediction for this alteration is inconclusive. Based on the available evidence, the clinical significance of this variant remains unclear.